The following is an entry in ClinVar:

ClinVar aggregate classification (germline): Uncertain significance (1 of 4 stars; one submission).

Conditions:
Hereditary cancer-predisposing syndrome. Also called: Hereditary neoplastic syndrome; Neoplastic Syndromes, Hereditary; Tumor predisposition; Hereditary Cancer Syndrome. Identifiers: Orphanet 140162, MedGen C0027672, MeSH D009386, MONDO:0015356.

Submission:

Ambry Genetics
Classification: Uncertain significance for Hereditary cancer-predisposing syndrome. Last evaluated: 2025-07-12. Review status: criteria provided, single submitter. Criteria: Ambry Variant Classification Scheme 2023. Collection method: clinical testing. Allele origin: germline.
Comment: The p.L389S variant (also known as c.1166T>C), located in coding exon 12 of the RB1 gene, results from a T to C substitution at nucleotide position 1166. The leucine at codon 389 is replaced by serine, an amino acid with dissimilar properties. This amino acid position is conserved. In addition, this alteration is predicted to be deleterious by in silico analysis. Based on the available evidence, the clinical significance of this variant remains unclear.

NM_000321.3(RB1):c.1166T>C (p.Leu389Ser)

Gene: RB1 (RB transcriptional corepressor 1; plus strand). Cytogenetic location: 13q14.2.
Variant type: single nucleotide variant.
Coding change: c.1166T>C on transcript NM_000321.3 (MANE Select); coding-DNA position 1166, T replaced by C.
Protein change: p.Leu389Ser; replaces leucine 389 with serine.
Molecular consequence: missense variant.
Genome position (GRCh38, 1-based): chr13:48,373,443, T>C. VCF-style: chr13-48373443-T-C. GRCh37 (hg19) VCF-style: chr13-48947579-T-C.
Other names: c.1166T>C, p.Leu389Ser (NM_001407165.1, NM_001407166.1); short protein forms L389S.
Identifiers: ClinVar variation 4151193 (VCV004151193.1).